The following is an entry in ClinVar:

ClinVar aggregate classification (germline): Uncertain significance (1 of 4 stars; one submission).

Submission:

GeneDx
Classification: Uncertain significance. Last evaluated: 2020-06-19. Review status: criteria provided, single submitter. Criteria: GeneDx Variant Classification Process June 2021. Collection method: clinical testing. Allele origin: germline. Affected: yes.
Comment: Not observed in large population cohorts (Lek et al., 2016); Frameshift variant predicted to result in protein truncation or nonsense mediated decay in a gene for which loss-of-function is not a known mechanism of disease; Has not been previously published as pathogenic or benign to our knowledge

NM_016284.5(CNOT1):c.538_539dup (p.Leu181fs)

Gene: CNOT1 (CCR4-NOT transcription complex subunit 1; minus strand). Cytogenetic location: 16q21.
Variant type: Duplication.
Coding change: c.538_539dup on transcript NM_016284.5 (MANE Select); coding-DNA positions 538 to 539, 2 bases duplicated (GT; older notation c.538_539dupGT).
Protein change: p.Leu181fs; shifts the reading frame from leucine 181.
Molecular consequence: frameshift variant. On other transcripts: non-coding transcript variant (1).
Genome position (GRCh38, 1-based): chr16:58,586,643-58,586,644, AC duplicated on the plus strand (GT on the coding strand, the reverse complement: CNOT1 is on the minus strand). VCF-style (leftmost placement, unchanged base first): chr16-58586642-G-GAC. GRCh37 (hg19) VCF-style: chr16-58620546-G-GAC.
Other names: c.538_539dup, p.Leu181fs (NM_001265612.2, NM_206999.3); short protein forms L181fs.
Identifiers: ClinVar variation 1210554 (VCV001210554.3), dbSNP rs2151984377, ClinGen allele CA2499223629.